The following is an entry in ClinVar:

NM_007194.4(CHEK2):c.*16C>T

Gene: CHEK2 (checkpoint kinase 2; minus strand). Cytogenetic location: 22q12.1.
Variant type: single nucleotide variant.
Coding change: c.*16C>T on transcript NM_007194.4 (MANE Select); 16 bases downstream of the stop codon, C replaced by T.
Molecular consequence: 3 prime UTR variant.
Genome position (GRCh38, 1-based): chr22:28,687,881, G>A on the plus strand (C>T on the coding strand, the complement: CHEK2 is on the minus strand). VCF-style: chr22-28687881-G-A. GRCh37 (hg19) VCF-style: chr22-29083869-G-A.
Other names: c.*16C>T (NM_001005735.3, NM_001257387.3, NM_001349956.3 and 1 more transcripts).
Identifiers: ClinVar variation 386940 (VCV000386940.3), dbSNP rs1057522648, ClinGen allele CA16608130.

ClinVar aggregate classification (germline): Likely benign. Review status: criteria provided, multiple submitters, no conflicts (2 of 4 stars). 2 submissions from 2 submitters: Likely benign (2). Last evaluated 2017-05-31.

Conditions:
Hereditary cancer-predisposing syndrome. Also called: Hereditary Cancer Syndrome; Hereditary neoplastic syndrome; Neoplastic Syndromes, Hereditary; Tumor predisposition. Identifiers: Orphanet 140162, MedGen C0027672, MeSH D009386, MONDO:0015356.

Allele frequency attached by ClinVar (database versions not stated): gnomAD exomes below 0.00001.
gnomAD v4.1: 1 of 1,586,854 alleles (0.000063%); highest among the groups gnomAD compares: Non-Finnish European, 0.000085%; no homozygotes.

Submissions (2):

Color Diagnostics, LLC DBA Color Health
Classification: Likely benign for Hereditary cancer-predisposing syndrome. Last evaluated: 2017-05-31. Review status: criteria provided, single submitter. Criteria: ACMG Guidelines, 2015. Collection method: clinical testing. Allele origin: germline.

GeneDx
Classification: Likely benign. Last evaluated: 2016-06-13. Review status: criteria provided, single submitter. Criteria: GeneDx Variant Classification (06012015). Collection method: clinical testing. Allele origin: germline. Affected: yes.
Comment: This variant is considered likely benign or benign based on one or more of the following criteria: it is a conservative change, it occurs at a poorly conserved position in the protein, it is predicted to be benign by multiple in silico algorithms, and/or has population frequency not consistent with disease.